The following is an entry in ClinVar:

ClinVar aggregate classification (germline): Benign/Likely benign. Review status: criteria provided, multiple submitters, no conflicts (2 of 4 stars). 3 submissions from 3 submitters: Benign (1); Likely benign (2). Last evaluated 2024-11-26.

Allele frequency attached by ClinVar (database versions not stated): 1000 Genomes Project 0.01278; 1000 Genomes Project 30x 0.01296; TOPMed 0.01544; gnomAD 0.01601 and 0.01666.

Submissions (3):

Blueprint Genetics
Classification: Likely benign. Last evaluated: 2024-11-26. Review status: criteria provided, single submitter. Criteria: ACMG Guidelines, 2015. Collection method: clinical testing. Allele origin: germline.

ARUP Laboratories, Molecular Genetics and Genomics, ARUP Laboratories
Classification: Benign. Last evaluated: 2021-07-21. Review status: criteria provided, single submitter. Criteria: ARUP Molecular Germline Variant Investigation Process 2021. Collection method: clinical testing. Allele origin: germline.

GeneDx
Classification: Likely benign. Last evaluated: 2018-06-14. Review status: criteria provided, single submitter. Criteria: GeneDx Variant Classification (06012015). Collection method: clinical testing. Allele origin: germline. Affected: yes.
Comment: This variant is considered likely benign or benign based on one or more of the following criteria: it is a conservative change, it occurs at a poorly conserved position in the protein, it is predicted to be benign by multiple in silico algorithms, and/or has population frequency not consistent with disease.

NM_000089.4(COL1A2):c.70+719_70+720del

Gene: COL1A2 (collagen type I alpha 2 chain; plus strand). Cytogenetic location: 7q21.3.
Variant type: Deletion.
Coding change: c.70+719_70+720del on transcript NM_000089.4 (MANE Select); bases 719 to 720 of the intron after coding-DNA position 70, 2 bases deleted (AA; older notation c.70+719_70+720delAA).
Molecular consequence: intron variant.
Genome position (GRCh38, 1-based): chr7:94,395,820-94,395,821, AA deleted. VCF-style (leftmost placement, unchanged base first): chr7-94395819-TAA-T. GRCh37 (hg19) VCF-style: chr7-94025131-TAA-T.
Other names: c.70+719_70+720delAA (NM_000089.3).
Identifiers: ClinVar variation 671158 (VCV000671158.12), dbSNP rs201691876, ClinGen allele CA162902933.